The following is an entry in ClinVar:

ClinVar aggregate classification (germline): Conflicting classifications of pathogenicity. Review status: criteria provided, conflicting classifications (1 of 4 stars). 9 submissions from 9 submitters: Uncertain significance (8); Likely benign (1). Last evaluated 2025-11-17.

Conditions:
Cardiovascular phenotype. Identifiers: MedGen CN230736.
Cardiomyopathy (CMYO). Also called: Cardiomyopathies. Identifiers: Orphanet 167848, MedGen C0878544, MONDO:0004994, HP:0001638. Inheritance: Various modes of inheritance.
Arrhythmogenic right ventricular dysplasia 11. Also called: Arrhythmogenic Right Ventricular Dysplasia/Cardiomyopathy11; Arrhythmogenic right ventricular dysplasia 11 with mild palmoplantar keratoderma and woolly hair; ARRHYTHMOGENIC RIGHT VENTRICULAR DYSPLASIA, FAMILIAL, 11. Identifiers: MedGen C1864850, MONDO:0012506, OMIM 610476.
Familial isolated arrhythmogenic right ventricular dysplasia. Identifiers: Orphanet 217656, MedGen C4274968, MONDO:0016342.

Allele frequency attached by ClinVar (database versions not stated): gnomAD 0.00003; TOPMed 0.00003; ESP Exome Variant Server 0.00008.
gnomAD v4.1: 88 of 1,613,650 alleles (0.0055%); highest among the groups gnomAD compares: Non-Finnish European, 0.0071%; no homozygotes.

Submissions (9):

Labcorp Genetics (formerly Invitae), Labcorp
Classification: Uncertain significance for Arrhythmogenic right ventricular dysplasia 11. Last evaluated: 2025-11-17. Review status: criteria provided, single submitter. Criteria: Invitae Variant Classification Sherloc (09022015). Collection method: clinical testing. Allele origin: germline.
Comment: This sequence change replaces glutamic acid, which is acidic and polar, with glutamine, which is neutral and polar, at codon 207 of the DSC2 protein (p.Glu207Gln). This variant is present in population databases (rs200634448, gnomAD 0.003%). This missense change has been observed in individual(s) with arrhythmogenic right ventricular cardiomyopathy (PMID: 27532257). ClinVar contains an entry for this variant (Variation ID: 923949). Invitae Evidence Modeling of protein sequence and biophysical properties (such as structural, functional, and spatial information, amino acid conservation, physicochemical variation, residue mobility, and thermodynamic stability) indicates that this missense variant is not expected to disrupt DSC2 protein function with a negative predictive value of 80%. In summary, the available evidence is currently insufficient to determine the role of this variant in disease. Therefore, it has been classified as a Variant of Uncertain Significance.

GeneDx
Classification: Uncertain significance. Last evaluated: 2024-12-23. Review status: criteria provided, single submitter. Criteria: GeneDx Variant Classification Process June 2021. Collection method: clinical testing. Allele origin: germline. Affected: yes.
Comment: Observed in a patient with ARVC (PMID: 27532257); Not observed at significant frequency in large population cohorts (gnomAD); In silico analysis indicates that this missense variant does not alter protein structure/function; This variant is associated with the following publications: (PMID: 31402444, 30122538, 29802319, 27532257)

Color Diagnostics, LLC DBA Color Health
Classification: Uncertain significance for Cardiomyopathy. Last evaluated: 2024-05-28. Review status: criteria provided, single submitter. Criteria: ACMG Guidelines, 2015. Collection method: clinical testing. Allele origin: germline.
Comment: This missense variant replaces glutamic acid with glutamine at codon 207 of the DSC2 protein. Computational prediction suggests that this variant may not impact protein structure and function (internally defined REVEL score threshold <= 0.5, PMID: 27666373). To our knowledge, functional studies have not been reported for this variant. This variant has been reported in an individual affected with arrhythmogenic right ventricular cardiomyopathy (PMID: 27532257). This variant has been identified in 4/251386 chromosomes in the general population by the Genome Aggregation Database (gnomAD). The available evidence is insufficient to determine the role of this variant in disease conclusively. Therefore, this variant is classified as a Variant of Uncertain Significance.

Ambry Genetics
Classification: Uncertain significance for Cardiovascular phenotype. Last evaluated: 2024-03-06. Review status: criteria provided, single submitter. Criteria: Ambry Variant Classification Scheme 2023. Collection method: clinical testing. Allele origin: germline.
Comment: The p.E207Q variant (also known as c.619G>C), located in coding exon 5 of the DSC2 gene, results from a G to C substitution at nucleotide position 619. The glutamic acid at codon 207 is replaced by glutamine, an amino acid with highly similar properties. This variant has been detected in an individual who underwent genetic testing for arrhythmogenic right ventricular cardiomyopathy; however, details were limited (Walsh R. Genet Med. 2017 Feb;19(2):192-203). This amino acid position is not well conserved in available vertebrate species. In addition, this alteration is predicted to be tolerated by in silico analysis. Based on the available evidence, the clinical significance of this alteration remains unclear.

All of Us Research Program, National Institutes of Health
Classification: Uncertain significance for Familial isolated arrhythmogenic right ventricular dysplasia. Last evaluated: 2024-01-11. Review status: criteria provided, single submitter. Criteria: ACMG Guidelines, 2015. Collection method: clinical testing. Allele origin: germline. Inheritance: Autosomal dominant inheritance. Observed: 6 variant alleles, 6 heterozygotes.
Comment: This missense variant replaces glutamic acid with glutamine at codon 207 of the DSC2 protein. Computational prediction suggests that this variant may not impact protein structure and function (internally defined REVEL score threshold <= 0.5, PMID: 27666373). To our knowledge, functional studies have not been reported for this variant. This variant has been reported in an individual affected with arrhythmogenic right ventricular cardiomyopathy (PMID: 27532257). This variant has been identified in 4/251386 chromosomes in the general population by the Genome Aggregation Database (gnomAD). The available evidence is insufficient to determine the role of this variant in disease conclusively. Therefore, this variant is classified as a Variant of Uncertain Significance.

This study involves interpretation of variants in research participants for the purpose of population health screening. Participant phenotype was not available at the time of variant classification. Additional details can be found in publication PMID: 35346344, PMCID: PMC8962531

CHEO Genetics Diagnostic Laboratory, Children's Hospital of Eastern Ontario
Classification: Uncertain significance for Cardiomyopathy. Last evaluated: 2021-12-01. Review status: criteria provided, single submitter. Criteria: ACMG Guidelines, 2015. Collection method: clinical testing. Allele origin: germline.

Fulgent Genetics
Classification: Uncertain significance for Arrhythmogenic right ventricular dysplasia 11. Last evaluated: 2021-10-07. Review status: criteria provided, single submitter. Criteria: ACMG Guidelines, 2015. Collection method: clinical testing. Allele origin: unknown.

Blueprint Genetics
Classification: Likely benign. Last evaluated: 2021-03-18. Review status: criteria provided, single submitter. Criteria: ACMG Guidelines, 2015. Collection method: clinical testing. Allele origin: germline.

ARUP Laboratories, Molecular Genetics and Genomics, ARUP Laboratories
Classification: Uncertain significance. Last evaluated: 2020-03-26. Review status: criteria provided, single submitter. Criteria: ARUP Molecular Germline Variant Investigation Process. Collection method: clinical testing. Allele origin: germline.
Comment: The DSC2 c.619G>C; p.Glu207Gln variant (rs200634448) is reported in the literature in an individual affected with arrhythmogenic right ventricular cardiomyopathy, though it was not demonstrated to be disease-causing in this individual (Walsh 2017). This variant is found on only four chromosomes (4/251386 alleles) in the Genome Aggregation Database. The glutamate at codon 207 is moderately conserved, and computational analyses (SIFT, PolyPhen-2) predict that this variant is tolerated. However, due to limited information, the clinical significance of the p.Glu207Gln variant is uncertain at this time. References: Walsh R et al. Reassessment of Mendelian gene pathogenicity using 7,855 cardiomyopathy cases and 60,706 reference samples. Genet Med. 2017 Feb;19(2):192-203.

Literature cited by the submitters: PubMed 27532257 (cited by 4 submitters).

NM_024422.6(DSC2):c.619G>C (p.Glu207Gln)

Gene: DSC2 (desmocollin 2; minus strand). Cytogenetic location: 18q12.1.
Variant type: single nucleotide variant.
Coding change: c.619G>C on transcript NM_024422.6 (MANE Select); coding-DNA position 619, G replaced by C.
Protein change: p.Glu207Gln; replaces glutamic acid 207 with glutamine.
Molecular consequence: missense variant.
Genome position (GRCh38, 1-based): chr18:31,089,450, C>G on the plus strand (G>C on the coding strand, the complement: DSC2 is on the minus strand). VCF-style: chr18-31089450-C-G. GRCh37 (hg19) VCF-style: chr18-28669413-C-G.
Other names: c.619G>C, p.Glu207Gln (NM_004949.5); short protein forms E207Q.
Identifiers: ClinVar variation 923949 (VCV000923949.30), dbSNP rs200634448, ClinGen allele CA039009.